The following is an entry in ClinVar:

ClinVar aggregate classification (germline): Uncertain significance. Review status: criteria provided, multiple submitters, no conflicts (2 of 4 stars). 2 submissions from 2 submitters: Uncertain significance (2). Last evaluated 2025-12-31.

Conditions:
Hereditary cancer-predisposing syndrome. Also called: Neoplastic Syndromes, Hereditary; Tumor predisposition; Hereditary Cancer Syndrome; Hereditary neoplastic syndrome. Identifiers: Orphanet 140162, MedGen C0027672, MeSH D009386, MONDO:0015356.
Carney complex, type 1 (CNC1). Also called: CARNEY MYXOMA-ENDOCRINE COMPLEX; CARNEY COMPLEX, TYPE I. Identifiers: Orphanet 1359, MedGen C2607929, MONDO:0008057, OMIM 160980.

gnomAD v4.1: 3 of 1,614,022 alleles (0.00019%); highest among the groups gnomAD compares: Non-Finnish European, 0.00017%; no homozygotes.

Submissions (2):

Labcorp Genetics (formerly Invitae), Labcorp
Classification: Uncertain significance for Carney complex, type 1. Last evaluated: 2025-12-31. Review status: criteria provided, single submitter. Criteria: Invitae Variant Classification Sherloc (09022015). Collection method: clinical testing. Allele origin: germline.
Comment: This sequence change replaces arginine, which is basic and polar, with cysteine, which is neutral and slightly polar, at codon 305 of the PRKAR1A protein (p.Arg305Cys). This variant is not present in population databases (gnomAD no frequency). This variant has not been reported in the literature in individuals affected with PRKAR1A-related conditions. ClinVar contains an entry for this variant (Variation ID: 1765932). Invitae Evidence Modeling of protein sequence and biophysical properties (such as structural, functional, and spatial information, amino acid conservation, physicochemical variation, residue mobility, and thermodynamic stability) has been performed for this missense variant. However, the output from this modeling did not meet the statistical confidence thresholds required to predict the impact of this variant on PRKAR1A protein function. In summary, the available evidence is currently insufficient to determine the role of this variant in disease. Therefore, it has been classified as a Variant of Uncertain Significance.

Ambry Genetics
Classification: Uncertain significance for Hereditary cancer-predisposing syndrome. Last evaluated: 2025-02-04. Review status: criteria provided, single submitter. Criteria: Ambry Variant Classification Scheme 2023. Collection method: clinical testing. Allele origin: germline.
Comment: The p.R305C variant (also known as c.913C>T), located in coding exon 9 of the PRKAR1A gene, results from a C to T substitution at nucleotide position 913. The arginine at codon 305 is replaced by cysteine, an amino acid with highly dissimilar properties. This amino acid position is conserved. In addition, the in silico prediction for this alteration is inconclusive. Since supporting evidence is limited at this time, the clinical significance of this alteration remains unclear.

NM_002734.5(PRKAR1A):c.913C>T (p.Arg305Cys)

Gene: PRKAR1A (protein kinase cAMP-dependent type I regulatory subunit alpha; plus strand). Cytogenetic location: 17q24.2.
Variant type: single nucleotide variant.
Coding change: c.913C>T on transcript NM_002734.5 (MANE Select); coding-DNA position 913, C replaced by T.
Protein change: p.Arg305Cys; replaces arginine 305 with cysteine.
Molecular consequence: missense variant.
Genome position (GRCh38, 1-based): chr17:68,529,941, C>T. VCF-style: chr17-68529941-C-T. GRCh37 (hg19) VCF-style: chr17-66526082-C-T.
Other names: c.913C>T, p.Arg305Cys (NM_001276289.2, NM_001276290.1, NM_001278433.2 and 4 more transcripts); short protein forms R305C.
Identifiers: ClinVar variation 1765932 (VCV001765932.6), dbSNP rs2143383152, ClinGen allele CA400754118.
Genomic context (GRCh38, chr17:68,529,941, plus strand): 5'-AGTGTGTGTTTGTTTAGCTTTTTGGTGATTTTATTATAGGGGTCAGCTGCTGTGCTACAA[C>T]GTCGGTCAGAAAATGAAGAGTTTGTTGAAGTGGGAAGATTGGGGCCTTCTGATTATTTTG-3'
Protein context (NP_002725.1, residues 295-315): ILEGSAAVLQ[Arg305Cys]RSENEEFVEV